The following is an entry in ClinVar:

ClinVar aggregate classification (germline): Uncertain significance. Review status: criteria provided, multiple submitters, no conflicts (2 of 4 stars). 2 submissions from 2 submitters: Uncertain significance (2). Last evaluated 2025-08-01.

Conditions:
GLUT1 deficiency syndrome 1, autosomal recessive. Identifiers: MedGen C3149117.

Submissions (2):

CeGaT Center for Human Genetics Tuebingen
Classification: Uncertain significance. Last evaluated: 2025-08-01. Review status: criteria provided, single submitter. Criteria: CeGaT Center For Human Genetics Tuebingen Variant Classification Criteria Version 2. Collection method: clinical testing. Allele origin: germline. Affected: yes. Observed: 1 variant allele.
Comment: SLC2A1: PM2, PP3

Labcorp Genetics (formerly Invitae), Labcorp
Classification: Uncertain significance for GLUT1 deficiency syndrome 1, autosomal recessive. Last evaluated: 2022-08-09. Review status: criteria provided, single submitter. Criteria: Invitae Variant Classification Sherloc (09022015). Collection method: clinical testing. Allele origin: germline.
Comment: Advanced modeling of protein sequence and biophysical properties (such as structural, functional, and spatial information, amino acid conservation, physicochemical variation, residue mobility, and thermodynamic stability) performed at Invitae indicates that this missense variant is expected to disrupt SLC2A1 protein function. ClinVar contains an entry for this variant (Variation ID: 1377374). This variant has not been reported in the literature in individuals affected with SLC2A1-related conditions. This variant is not present in population databases (gnomAD no frequency). This sequence change replaces lysine, which is basic and polar, with glutamic acid, which is acidic and polar, at codon 456 of the SLC2A1 protein (p.Lys456Glu). In summary, the available evidence is currently insufficient to determine the role of this variant in disease. Therefore, it has been classified as a Variant of Uncertain Significance.

NM_006516.4(SLC2A1):c.1366A>G (p.Lys456Glu)

Gene: SLC2A1 (solute carrier family 2 member 1; minus strand). Cytogenetic location: 1p34.2.
Variant type: single nucleotide variant.
Coding change: c.1366A>G on transcript NM_006516.4 (MANE Select); coding-DNA position 1366, A replaced by G.
Protein change: p.Lys456Glu; replaces lysine 456 with glutamic acid.
Molecular consequence: missense variant.
Genome position (GRCh38, 1-based): chr1:42,927,154, T>C on the plus strand (A>G on the coding strand, the complement: SLC2A1 is on the minus strand). VCF-style: chr1-42927154-T-C. GRCh37 (hg19) VCF-style: chr1-43392825-T-C.
Other names: short protein forms K456E.
Identifiers: ClinVar variation 1377374 (VCV001377374.14), dbSNP rs80359829, ClinGen allele CA339953154.